The following is an entry in ClinVar:

ClinVar aggregate classification (germline): Uncertain significance (1 of 4 stars; one submission).

Allele frequency attached by ClinVar (database versions not stated): gnomAD 0.00002; gnomAD exomes 0.00002.

Submission:

Quest Diagnostics Nichols Institute San Juan Capistrano
Classification: Uncertain significance. Last evaluated: 2025-03-28. Review status: criteria provided, single submitter. Criteria: Quest Diagnostics criteria. Collection method: clinical testing. Allele origin: unknown.
Comment: The VWF c.3434G>A (p.Arg1145His) variant has not been reported in individuals with VWF-related conditions in the published literature. The frequency of this variant in the general population (Genome Aggregation Database) is uninformative in the assessment of its pathogenicity. Analysis of this variant using bioinformatics tools for the prediction of the effect of amino acid changes on protein structure and function yielded predictions that this variant is damaging. Based on the available information, we are unable to determine the clinical significance of this variant.

NM_000552.5(VWF):c.3434G>A (p.Arg1145His)

Gene: VWF (von Willebrand factor; minus strand). Cytogenetic location: 12p13.31.
Variant type: single nucleotide variant.
Coding change: c.3434G>A on transcript NM_000552.5 (MANE Select); coding-DNA position 3434, G replaced by A.
Protein change: p.Arg1145His; replaces arginine 1145 with histidine.
Molecular consequence: missense variant.
Genome position (GRCh38, 1-based): chr12:6,022,844, C>T on the plus strand (G>A on the coding strand, the complement: VWF is on the minus strand). VCF-style: chr12-6022844-C-T. GRCh37 (hg19) VCF-style: chr12-6132010-C-T.
Other names: short protein forms R1145H.
Identifiers: ClinVar variation 1330090 (VCV001330090.2), dbSNP rs1350829214, ClinGen allele CA383511378.
Genomic context (GRCh38, chr12:6,022,844, plus strand): 5'-CAGGCCAGTGGCTCAGGGTGCTGACACGTGACTTGACAGGCAGGTGCACAGCTGTTATAG[C>T]GCCACTCACACTCATACCCGTTCTCCCGGAGATTCCTCTCCTCGCAGCTCTGGGCTGTGT-3'
Protein context (NP_000543.3, residues 1135-1155): LRENGYECEW[Arg1145His]YNSCAPACQV